The following is an entry in ClinVar:

NM_003888.4(ALDH1A2):c.923C>T (p.Ala308Val)

Gene: ALDH1A2 (aldehyde dehydrogenase 1 family member A2; minus strand). Cytogenetic location: 15q21.3.
Variant type: single nucleotide variant.
Coding change: c.923C>T on transcript NM_003888.4 (MANE Select); coding-DNA position 923, C replaced by T.
Protein change: p.Ala308Val; replaces alanine 308 with valine.
Molecular consequence: missense variant.
Genome position (GRCh38, 1-based): chr15:57,964,048, G>A on the plus strand (C>T on the coding strand, the complement: ALDH1A2 is on the minus strand). VCF-style: chr15-57964048-G-A. GRCh37 (hg19) VCF-style: chr15-58256246-G-A.
Other names: c.860C>T, p.Ala287Val (NM_001206897.2); c.809C>T, p.Ala270Val (NM_170696.3); c.635C>T, p.Ala212Val (NM_170697.3); short protein forms A212V, A270V, A287V, A308V.
Identifiers: ClinVar variation 3899699 (VCV003899699.1).

ClinVar aggregate classification (germline): Uncertain significance (1 of 4 stars; one submission).

Submission:

GeneDx
Classification: Uncertain significance. Last evaluated: 2024-11-15. Review status: criteria provided, single submitter. Criteria: GeneDx Variant Classification Process June 2021. Collection method: clinical testing. Allele origin: germline. Affected: yes.
Comment: Has not been previously published as pathogenic or benign to our knowledge; In silico analysis supports that this missense variant has a deleterious effect on protein structure/function; Not observed at significant frequency in large population cohorts (gnomAD)